The following is an entry in ClinVar:

NM_017637.6(BNC2):c.2344A>G (p.Thr782Ala)

Genes: BNC2 (basonuclin zinc finger protein 2; minus strand), LOC126860585 (MED14-independent group 3 enhancer GRCh37_chr9:16435259-16436458; plus strand). Cytogenetic location: 9p22.3.
Variant type: single nucleotide variant.
Coding change: c.2344A>G on transcript NM_017637.6 (MANE Select); coding-DNA position 2344, A replaced by G.
Protein change: p.Thr782Ala; replaces threonine 782 with alanine.
Molecular consequence: missense variant.
Genome position (GRCh38, 1-based): chr9:16,435,850, T>C on the plus strand (A>G on the coding strand, the complement: BNC2 is on the minus strand). VCF-style: chr9-16435850-T-C. GRCh37 (hg19) VCF-style: chr9-16435848-T-C.
Other names: c.2344A>G (NM_017637.5); c.2218A>G, p.Thr740Ala (NM_001317939.2); c.2059A>G, p.Thr687Ala (NM_001317940.2); short protein forms T687A, T740A, T782A.
Identifiers: ClinVar variation 1656143 (VCV001656143.11), dbSNP rs3739714, ClinGen allele CA4995907.

ClinVar aggregate classification (germline): Benign. Review status: criteria provided, multiple submitters, no conflicts (2 of 4 stars). 3 submissions from 3 submitters: Benign (2). 1 of the submissions does not count toward it. Last evaluated 2026-02-01.

Conditions:
BNC2-related disorder. Also called: BNC2-related condition.

Allele frequency attached by ClinVar (database versions not stated): gnomAD 0.00564 and 0.00474; TOPMed 0.00889; gnomAD exomes 0.00537 and 0.01739; 1000 Genomes Project 30x 0.01515; ExAC 0.01525; ESP Exome Variant Server 0.00046; 1000 Genomes Project 0.01617.
gnomAD v4.1: 8,755 of 1,613,798 alleles (0.54%); highest among the groups gnomAD compares: East Asian, 8.5%; 392 homozygotes.

Submissions (3):

Labcorp Genetics (formerly Invitae), Labcorp
Classification: Benign. Last evaluated: 2026-02-01. Review status: criteria provided, single submitter. Criteria: Invitae Variant Classification Sherloc (09022015). Collection method: clinical testing. Allele origin: germline.

Breakthrough Genomics
Classification: Benign. Review status: criteria provided, single submitter. Criteria: ACMG Guidelines, 2015. Collection method: not provided. Allele origin: germline. Inheritance: Autosomal dominant inheritance. Affected: yes.

PreventionGenetics, part of Exact Sciences
Classification: Benign for BNC2-related condition. Last evaluated: 2019-03-27. Review status: no assertion criteria provided. Collection method: clinical testing. Allele origin: germline. Not counted in ClinVar's aggregate classification.
Comment: This variant is classified as benign based on ACMG/AMP sequence variant interpretation guidelines (Richards et al. 2015 PMID: 25741868, with internal and published modifications).